The following is an entry in ClinVar:

NM_004820.5(CYP7B1):c.122+1G>C

Gene: CYP7B1 (cytochrome P450 family 7 subfamily B member 1; minus strand). Cytogenetic location: 8q12.3.
Variant type: single nucleotide variant.
Coding change: c.122+1G>C on transcript NM_004820.5 (MANE Select); the canonical splice donor site of the intron after coding-DNA position 122, G replaced by C.
Molecular consequence: splice donor variant.
Genome position (GRCh38, 1-based): chr8:64,798,465, C>G on the plus strand (G>C on the coding strand, the complement: CYP7B1 is on the minus strand). VCF-style: chr8-64798465-C-G. GRCh37 (hg19) VCF-style: chr8-65711022-C-G.
Other names: c.122+1G>C (NM_001324112.2).
Identifiers: ClinVar variation 2866916 (VCV002866916.3), dbSNP rs1804744616, ClinGen allele CA371408126.

ClinVar aggregate classification (germline): Likely pathogenic (1 of 4 stars; one submission).

Conditions:
Spastic paraplegia. Identifiers: MedGen C0037772, HP:0001258.

Allele frequency attached by ClinVar (database versions not stated): gnomAD exomes below 0.00001.
gnomAD v4.1: 1 of 1,511,820 alleles (0.000066%); highest among the groups gnomAD compares: Non-Finnish European, 0.000088%; no homozygotes.

Submission:

Labcorp Genetics (formerly Invitae), Labcorp
Classification: Likely pathogenic for Spastic paraplegia. Last evaluated: 2023-05-22. Review status: criteria provided, single submitter. Criteria: Invitae Variant Classification Sherloc (09022015). Collection method: clinical testing. Allele origin: germline.
Comment: This sequence change affects a donor splice site in intron 1 of the CYP7B1 gene. It is expected to disrupt RNA splicing. Variants that disrupt the donor or acceptor splice site typically lead to a loss of protein function (PMID: 16199547), and loss-of-function variants in CYP7B1 are known to be pathogenic (PMID: 9802883, 19363635, 19439420, 21541746, 21567895, 28039895). This variant is not present in population databases (gnomAD no frequency). This variant has not been reported in the literature in individuals affected with CYP7B1-related conditions. Algorithms developed to predict the effect of sequence changes on RNA splicing suggest that this variant may disrupt the consensus splice site. In summary, the currently available evidence indicates that the variant is pathogenic, but additional data are needed to prove that conclusively. Therefore, this variant has been classified as Likely Pathogenic.

Literature cited by the submitters: PubMed 16199547; PubMed 9802883; PubMed 19363635; PubMed 19439420; PubMed 21541746; PubMed 21567895; PubMed 28039895.